The following is an entry in ClinVar:

ClinVar aggregate classification (germline): Uncertain significance/Uncertain risk allele. Review status: criteria provided, multiple submitters, no conflicts (2 of 4 stars). 6 submissions from 6 submitters: Uncertain significance (5); Uncertain risk allele (1). Last evaluated 2025-05-15.

Conditions:
Cataract 41 (CTRCT41). Also called: CATARACT 41, CONGENITAL NUCLEAR TYPE. Identifiers: Orphanet 91492, Orphanet 98991, Orphanet 98992, Orphanet 98995, MedGen C3805412, MONDO:0007287, OMIM 116400.
Wolfram syndrome 1 (WFS1). Identifiers: Orphanet 3463, MedGen C4551693, MONDO:0009101, OMIM 222300.
Autosomal dominant nonsyndromic hearing loss 6 (LFSNHL). Also called: DEAFNESS, AUTOSOMAL DOMINANT 6; DEAFNESS, AUTOSOMAL DOMINANT 14; DEAFNESS, AUTOSOMAL DOMINANT 38; Autosomal dominant nonsyndromic deafness 6. Identifiers: Orphanet 90635, MedGen C1833021, MONDO:0010963, OMIM 600965.
Type 2 diabetes mellitus. Also called: Type II diabetes mellitus. Identifiers: MedGen C0011860, MeSH D003924, MONDO:0005148, OMIM 125853, HP:0005978.
Wolfram-like syndrome. Also called: HEARING LOSS, PROGRESSIVE, WITH OPTIC ATROPHY AND/OR IMPAIRED GLUCOSE REGULATION. Identifiers: Orphanet 411590, MedGen C3280358, MONDO:0013673, OMIM 614296.
Inborn genetic diseases. Identifiers: MedGen C0950123, MeSH D030342.

Allele frequency attached by ClinVar (database versions not stated): gnomAD exomes 0.00001; TOPMed 0.00002; ESP Exome Variant Server 0.00008.
gnomAD v4.1: 55 of 1,612,630 alleles (0.0034%); highest among the groups gnomAD compares: Non-Finnish European, 0.0043%; no homozygotes.

Submissions (6):

Labcorp Genetics (formerly Invitae), Labcorp
Classification: Uncertain significance. Last evaluated: 2025-05-15. Review status: criteria provided, single submitter. Criteria: Invitae Variant Classification Sherloc (09022015). Collection method: clinical testing. Allele origin: germline.
Comment: This sequence change replaces methionine, which is neutral and non-polar, with threonine, which is neutral and polar, at codon 731 of the WFS1 protein (p.Met731Thr). This variant is present in population databases (rs146418094, gnomAD 0.006%). This variant has not been reported in the literature in individuals affected with WFS1-related conditions. ClinVar contains an entry for this variant (Variation ID: 452367). Invitae Evidence Modeling of protein sequence and biophysical properties (such as structural, functional, and spatial information, amino acid conservation, physicochemical variation, residue mobility, and thermodynamic stability) has been performed for this missense variant. However, the output from this modeling did not meet the statistical confidence thresholds required to predict the impact of this variant on WFS1 protein function. In summary, the available evidence is currently insufficient to determine the role of this variant in disease. Therefore, it has been classified as a Variant of Uncertain Significance.

Ambry Genetics
Classification: Uncertain significance for Inborn genetic diseases. Last evaluated: 2025-04-12. Review status: criteria provided, single submitter. Criteria: Ambry Variant Classification Scheme 2023. Collection method: clinical testing. Allele origin: germline.

Fulgent Genetics
Classification: Uncertain significance for Cataract 41; Type 2 diabetes mellitus; Wolfram syndrome 1; Autosomal dominant nonsyndromic hearing loss 6; Wolfram-like syndrome. Last evaluated: 2022-01-09. Review status: criteria provided, single submitter. Criteria: ACMG Guidelines, 2015. Collection method: clinical testing. Allele origin: unknown.

Blueprint Genetics
Classification: Uncertain significance. Last evaluated: 2021-07-13. Review status: criteria provided, single submitter. Criteria: ACMG Guidelines, 2015. Collection method: clinical testing. Allele origin: germline.

GeneDx
Classification: Uncertain significance. Last evaluated: 2017-09-26. Review status: criteria provided, single submitter. Criteria: GeneDx Variant Classification (06012015). Collection method: clinical testing. Allele origin: germline. Affected: yes.
Comment: The M731T variant in the WFS1 gene has not been reported previously as a pathogenic variant, nor as a benign variant, to our knowledge. The M731T variant is not observed in large population cohorts (Lek et al., 2016). The M731T variant is a non-conservative amino acid substitution, which is likely to impact secondary protein structure as these residues differ in polarity, charge, size and/or other properties. This substitution occurs at a position where amino acids with similar properties to Methionine are tolerated across species. In silico analysis predicts this variant is probably damaging to the protein structure/function. We interpret M731T as a variant of uncertain significance.

Clinical Genomics, Uppaluri K&H Personalized Medicine Clinic
Classification: Uncertain risk allele for Wolfram syndrome 1. Review status: criteria provided, single submitter. Criteria: K & H Uppaluri Personalized Medicine Clinic Variant Classification & Assertion Criteria_Updated V.1. Collection method: research. Allele origin: unknown. Inheritance: Autosomal recessive inheritance.
Comment: Potent mutations in WFS1 gene are associated with Wolfram's syndrome, an autosomal recessive condition, which cause diabetes mellitus, diabetes insipidus, deafness and optic atrophy. However no sufficient evidence is found to ascertain the role of this particular variant rs146418094 in Wolfram's syndrome yet.

Literature cited by the submitters: PubMed 20738327 (cited by Clinical Genomics, Uppaluri K&H Personalized Medicine Clinic); PubMed 33879153 (cited by Clinical Genomics, Uppaluri K&H Personalized Medicine Clinic); PubMed 12955714 (cited by Clinical Genomics, Uppaluri K&H Personalized Medicine Clinic); PubMed 18060660 (cited by Clinical Genomics, Uppaluri K&H Personalized Medicine Clinic); PubMed 20301750 (cited by Clinical Genomics, Uppaluri K&H Personalized Medicine Clinic); PubMed 17603484 (cited by Clinical Genomics, Uppaluri K&H Personalized Medicine Clinic).

NM_006005.3(WFS1):c.2192T>C (p.Met731Thr)

Gene: WFS1 (wolframin ER transmembrane glycoprotein; plus strand). Cytogenetic location: 4p16.1.
Variant type: single nucleotide variant.
Coding change: c.2192T>C on transcript NM_006005.3 (MANE Select); coding-DNA position 2192, T replaced by C.
Protein change: p.Met731Thr; replaces methionine 731 with threonine.
Molecular consequence: missense variant.
Genome position (GRCh38, 1-based): chr4:6,301,987, T>C. VCF-style: chr4-6301987-T-C. GRCh37 (hg19) VCF-style: chr4-6303714-T-C.
Other names: c.2192T>C, p.Met731Thr (NM_001145853.1); short protein forms M731T.
Identifiers: ClinVar variation 452367 (VCV000452367.11), dbSNP rs146418094, ClinGen allele CA91796922.